The following is an entry in ClinVar:

NM_022101.4(STEEP1):c.630G>A (p.Ala210=)

Gene: STEEP1 (STING1 ER exit protein 1; minus strand). Cytogenetic location: Xq24.
Variant type: single nucleotide variant.
Coding change: c.630G>A on transcript NM_022101.4 (MANE Select); coding-DNA position 630, G replaced by A.
Protein change: p.Ala210=; no amino-acid change (alanine 210 retained).
Molecular consequence: synonymous variant.
Genome position (GRCh38, 1-based): chrX:119,539,766, C>T on the plus strand (G>A on the coding strand, the complement: STEEP1 is on the minus strand). VCF-style: chrX-119539766-C-T. GRCh37 (hg19) VCF-style: chrX-118673729-C-T.
Other names: c.483G>A, p.Ala161= (NM_001170569.1); c.588G>A, p.Ala196= (NM_001170570.2).
Identifiers: ClinVar variation 3257093 (VCV003257093.17).

ClinVar aggregate classification (germline): Likely benign (1 of 4 stars; one submission).

gnomAD v4.1: 69 of 1,205,943 alleles (0.0057%); highest among the groups gnomAD compares: Non-Finnish European, 0.0069%; no homozygotes.

Submission:

CeGaT Center for Human Genetics Tuebingen
Classification: Likely benign. Last evaluated: 2024-07-01. Review status: criteria provided, single submitter. Criteria: CeGaT Center For Human Genetics Tuebingen Variant Classification Criteria Version 2. Collection method: clinical testing. Allele origin: germline. Affected: yes. Observed: 1 variant allele.
Comment: STEEP1: BP4, BP7